The following is an entry in ClinVar:

NM_006506.5(RASA2):c.1891T>C (p.Phe631Leu)

Gene: RASA2 (RAS p21 protein activator 2; plus strand). Cytogenetic location: 3q23.
Variant type: single nucleotide variant.
Coding change: c.1891T>C on transcript NM_006506.5 (MANE Select); coding-DNA position 1891, T replaced by C.
Protein change: p.Phe631Leu; replaces phenylalanine 631 with leucine.
Molecular consequence: missense variant.
Genome position (GRCh38, 1-based): chr3:141,586,710, T>C. VCF-style: chr3-141586710-T-C. GRCh37 (hg19) VCF-style: chr3-141305552-T-C.
Other names: c.1891T>C, p.Phe631Leu (NM_001303245.3, NM_001303246.3); short protein forms F631L.
Identifiers: ClinVar variation 1330513 (VCV001330513.7), dbSNP rs2107776945, ClinGen allele CA354782260.

ClinVar aggregate classification (germline): Uncertain significance (1 of 4 stars; one submission).

Allele frequency attached by ClinVar (database versions not stated): gnomAD exomes below 0.00001.
gnomAD v4.1: 1 of 1,613,752 alleles (0.000062%); highest among the groups gnomAD compares: Non-Finnish European, 0.000085%; no homozygotes.

Submission:

ARUP Laboratories, Molecular Genetics and Genomics, ARUP Laboratories
Classification: Uncertain significance. Last evaluated: 2021-10-01. Review status: criteria provided, single submitter. Criteria: ARUP Molecular Germline Variant Investigation Process 2021. Collection method: clinical testing. Allele origin: germline.
Comment: The RASA2 c.1891T>C; p.Phe631Leu variant, to our knowledge, is not reported in the medical literature or gene specific databases. This variant is also absent from the Genome Aggregation Database, indicating it is not a common polymorphism. The phenylalanine at codon 631 is moderately conserved, and computational analyses are uncertain whether this variant is neutral or deleterious (REVEL: 0.568). Due to limited information, the clinical significance of the p.Phe631Leu variant is uncertain at this time.